The following is an entry in ClinVar:

NM_003924.4(PHOX2B):c.605C>G (p.Pro202Arg)

Gene: PHOX2B (paired like homeobox 2B; minus strand). Cytogenetic location: 4p13.
Variant type: single nucleotide variant.
Coding change: c.605C>G on transcript NM_003924.4 (MANE Select); coding-DNA position 605, C replaced by G.
Protein change: p.Pro202Arg; replaces proline 202 with arginine.
Molecular consequence: missense variant.
Genome position (GRCh38, 1-based): chr4:41,746,147, G>C on the plus strand (C>G on the coding strand, the complement: PHOX2B is on the minus strand). VCF-style: chr4-41746147-G-C. GRCh37 (hg19) VCF-style: chr4-41748164-G-C.
Other names: short protein forms P202R.
Identifiers: ClinVar variation 1751314 (VCV001751314.8), dbSNP rs752633393, ClinGen allele CA2901476.

ClinVar aggregate classification (germline): Uncertain significance. Review status: criteria provided, multiple submitters, no conflicts (2 of 4 stars). 2 submissions from 2 submitters: Uncertain significance (2). Last evaluated 2024-05-08.

Conditions:
Hereditary cancer-predisposing syndrome. Also called: Hereditary Cancer Syndrome; Hereditary neoplastic syndrome; Neoplastic Syndromes, Hereditary; Tumor predisposition. Identifiers: Orphanet 140162, MedGen C0027672, MeSH D009386, MONDO:0015356.
Haddad syndrome (OHD). Also called: Ondine-Hirschsprung disease. Identifiers: Orphanet 99803, MedGen C1859049, MONDO:0020493.

Submissions (2):

Ambry Genetics
Classification: Uncertain significance for Hereditary cancer-predisposing syndrome. Last evaluated: 2024-05-08. Review status: criteria provided, single submitter. Criteria: Ambry Variant Classification Scheme 2023. Collection method: clinical testing. Allele origin: germline.
Comment: The p.P202R variant (also known as c.605C>G), located in coding exon 3 of the PHOX2B gene, results from a C to G substitution at nucleotide position 605. The proline at codon 202 is replaced by arginine, an amino acid with dissimilar properties. This amino acid position is well conserved in available vertebrate species. In addition, the in silico prediction for this alteration is inconclusive. Since supporting evidence is limited at this time, the clinical significance of this alteration remains unclear.

Labcorp Genetics (formerly Invitae), Labcorp
Classification: Uncertain significance for Haddad syndrome. Last evaluated: 2022-02-03. Review status: criteria provided, single submitter. Criteria: Invitae Variant Classification Sherloc (09022015). Collection method: clinical testing. Allele origin: germline.
Comment: In summary, the available evidence is currently insufficient to determine the role of this variant in disease. Therefore, it has been classified as a Variant of Uncertain Significance. Algorithms developed to predict the effect of missense changes on protein structure and function are either unavailable or do not agree on the potential impact of this missense change (SIFT: "Deleterious"; PolyPhen-2: "Not Available"; Align-GVGD: "Class C65"). This variant has not been reported in the literature in individuals affected with PHOX2B-related conditions. This variant is not present in population databases (gnomAD no frequency). This sequence change replaces proline, which is neutral and non-polar, with arginine, which is basic and polar, at codon 202 of the PHOX2B protein (p.Pro202Arg).